The following is an entry in ClinVar:

NC_000006.11:g.(?_24502731)_(24515558_?)del

Gene: ALDH5A1 (aldehyde dehydrogenase 5 family member A1; plus strand). Cytogenetic location: 6p22.3.
Variant type: Deletion.
Identifiers: ClinVar variation 1502177 (VCV001502177.6).

ClinVar aggregate classification (germline): Likely pathogenic (1 of 4 stars; one submission).

Conditions:
Succinate-semialdehyde dehydrogenase deficiency (SSADHD). Also called: Succinic Semialdehyde Dehydrogenase Deficiency; SSADH DEFICIENCY; 4-HYDROXYBUTYRIC ACIDURIA; GABA METABOLIC DEFECT. Identifiers: Orphanet 22, MedGen C0268631, MONDO:0010083, OMIM 271980.

Submission:

Labcorp Genetics (formerly Invitae), Labcorp
Classification: Likely pathogenic for Succinate-semialdehyde dehydrogenase deficiency. Last evaluated: 2020-12-20. Review status: criteria provided, single submitter. Criteria: Invitae Variant Classification Sherloc (09022015). Collection method: clinical testing. Allele origin: germline.
Comment: This variant is a gross deletion of the genomic region encompassing exon(s) 2-5 of the ALDH5A1 gene. This variant would be expected to be in-frame, preserving the integrity of the reading frame. This variant has not been reported in the literature in individuals with ALDH5A1-related conditions. In summary, the currently available evidence indicates that the variant is pathogenic, but additional data are needed to prove that conclusively. Therefore, this variant has been classified as Likely Pathogenic. This variant disrupts the p.Gly176Arg amino acid residue in ALDH5A1. Other variant(s) that disrupt this residue have been determined to be pathogenic (PMID: 14635103, 29895405). This suggests that this residue is clinically significant, and that variants that disrupt this residue are likely to be disease-causing.

Literature cited by the submitters: PubMed 14635103; PubMed 29895405.